The following is an entry in ClinVar:

ClinVar aggregate classification (germline): Uncertain significance. Review status: criteria provided, multiple submitters, no conflicts (2 of 4 stars). 2 submissions from 2 submitters: Uncertain significance (2). Last evaluated 2025-10-05.

Allele frequency attached by ClinVar (database versions not stated): TOPMed 0.00002; gnomAD 0.00005; 1000 Genomes Project 0.00040; ExAC 0.00002; gnomAD exomes 0.00001; 1000 Genomes Project 30x 0.00047.
gnomAD v4.1: 15 of 1,613,224 alleles (0.00093%); highest among the groups gnomAD compares: African/African-American, 0.019%; no homozygotes.

Submissions (2):

Labcorp Genetics (formerly Invitae), Labcorp
Classification: Uncertain significance. Last evaluated: 2025-10-05. Review status: criteria provided, single submitter. Criteria: Invitae Variant Classification Sherloc (09022015). Collection method: clinical testing. Allele origin: germline.
Comment: This sequence change replaces glycine, which is neutral and non-polar, with glutamic acid, which is acidic and polar, at codon 277 of the CHRM2 protein (p.Gly277Glu). This variant is present in population databases (rs527857234, gnomAD 0.01%). This variant has not been reported in the literature in individuals affected with CHRM2-related conditions. ClinVar contains an entry for this variant (Variation ID: 3016663). An algorithm developed to predict the effect of missense changes on protein structure and function (PolyPhen-2) suggests that this variant is likely to be disruptive. In summary, the available evidence is currently insufficient to determine the role of this variant in disease. Therefore, it has been classified as a Variant of Uncertain Significance.

Ambry Genetics
Classification: Uncertain significance. Last evaluated: 2025-08-23. Review status: criteria provided, single submitter. Criteria: Ambry Variant Classification Scheme 2023. Collection method: clinical testing. Allele origin: germline.

NM_001006630.2(CHRM2):c.830G>A (p.Gly277Glu)

Genes: CHRM2 (cholinergic receptor muscarinic 2; plus strand), LOC349160 (uncharacterized LOC349160; minus strand). Cytogenetic location: 7q33.
Variant type: single nucleotide variant.
Coding change: c.830G>A on transcript NM_001006630.2 (MANE Select); coding-DNA position 830, G replaced by A.
Protein change: p.Gly277Glu; replaces glycine 277 with glutamic acid.
Molecular consequence: missense variant.
Genome position (GRCh38, 1-based): chr7:137,015,695, G>A. VCF-style: chr7-137015695-G-A. GRCh37 (hg19) VCF-style: chr7-136700442-G-A.
Other names: c.830G>A, p.Gly277Glu (NM_000739.3, NM_001006626.3, NM_001006627.3 and 6 more transcripts); short protein forms G277E.
Identifiers: ClinVar variation 3016663 (VCV003016663.4), dbSNP rs527857234, ClinGen allele CA4500581.